The following is an entry in ClinVar:

NM_001253697.2(ERBIN):c.4090C>G (p.Pro1364Ala)

Gene: ERBIN (erbb2 interacting protein; plus strand). Cytogenetic location: 5q12.3.
Variant type: single nucleotide variant.
Coding change: c.4090C>G on transcript NM_001253697.2 (MANE Select); coding-DNA position 4090, C replaced by G.
Protein change: p.Pro1364Ala; replaces proline 1364 with alanine.
Molecular consequence: missense variant. On other transcripts: intron variant (1).
Genome position (GRCh38, 1-based): chr5:66,076,908, C>G. VCF-style: chr5-66076908-C-G. GRCh37 (hg19) VCF-style: chr5-65372736-C-G.
Other names: c.3760C>G, p.Pro1254Ala (NM_001006600.3); c.4111C>G, p.Pro1371Ala (NM_001253699.2); c.3955C>G, p.Pro1319Ala (NM_001253701.2); c.3967C>G, p.Pro1323Ala (NM_018695.4); c.3933+500C>G (NM_001253698.2); short protein forms P1254A, P1319A, P1323A, P1364A, P1371A.
Identifiers: ClinVar variation 2174701 (VCV002174701.4), dbSNP rs201815418, ClinGen allele CA3286804.

ClinVar aggregate classification (germline): Uncertain significance (1 of 4 stars; one submission).

Allele frequency attached by ClinVar (database versions not stated): gnomAD exomes below 0.00001; TOPMed 0.00002; ExAC 0.00003; gnomAD 0.00003; 1000 Genomes Project 30x 0.00031; 1000 Genomes Project 0.00040.
gnomAD v4.1: 8 of 1,609,218 alleles (0.0005%); highest among the groups gnomAD compares: East Asian, 0.016%; no homozygotes.

Submission:

Labcorp Genetics (formerly Invitae), Labcorp
Classification: Uncertain significance. Last evaluated: 2025-04-17. Review status: criteria provided, single submitter. Criteria: Invitae Variant Classification Sherloc (09022015). Collection method: clinical testing. Allele origin: germline.
Comment: This sequence change replaces proline, which is neutral and non-polar, with alanine, which is neutral and non-polar, at codon 1364 of the ERBIN protein (p.Pro1364Ala). This variant is present in population databases (rs201815418, gnomAD 0.03%). This variant has not been reported in the literature in individuals affected with ERBIN-related conditions. ClinVar contains an entry for this variant (Variation ID: 2174701). An algorithm developed to predict the effect of missense changes on protein structure and function (PolyPhen-2) suggests that this variant is likely to be disruptive. In summary, the available evidence is currently insufficient to determine the role of this variant in disease. Therefore, it has been classified as a Variant of Uncertain Significance.